The following is an entry in ClinVar:

NM_002693.3(POLG):c.412C>T (p.His138Tyr)

Genes: POLG (DNA polymerase gamma, catalytic subunit; minus strand), POLGARF (POLG alternative reading frame; minus strand). Cytogenetic location: 15q26.1.
Variant type: single nucleotide variant.
Coding change: c.412C>T on transcript NM_002693.3 (MANE Select); coding-DNA position 412, C replaced by T.
Protein change: p.His138Tyr; replaces histidine 138 with tyrosine.
Molecular consequence: missense variant.
Genome position (GRCh38, 1-based): chr15:89,333,343, G>A on the plus strand (C>T on the coding strand, the complement: POLG is on the minus strand). VCF-style: chr15-89333343-G-A. GRCh37 (hg19) VCF-style: chr15-89876574-G-A.
Other names: c.467C>T, p.Ala156Val (NM_001430120.1); c.412C>T, p.His138Tyr (NM_001126131.2); short protein forms A156V, H138Y.
Identifiers: ClinVar variation 4991422 (VCV004991422.1).
Genomic context (GRCh38, chr15:89,333,343, plus strand): 5'-ACAGCAAGTTGGCCGCCTCCAGGTAGGGCAGGCTCTGCTTCTGGGCCAGGAGGCGGAAGT[G>A]CTGGTCCAGGTTGTCCCCGTAGAGGGGCGGCAGGCGCAGCTCCACGTCGGGCAAGGGCAC-3'
Protein context (NP_002684.1, residues 128-148): PPLYGDNLDQ[His138Tyr]FRLLAQKQSL

ClinVar aggregate classification (germline): Uncertain significance (1 of 4 stars; one submission).

Conditions:
POLG-related disorder. Also called: POLG-Related Spectrum Disorders; POLG-related condition; POLG-Related Disorders. Identifiers: MedGen C4763519.

Submission:

PreventionGenetics, part of Exact Sciences
Classification: Uncertain significance for POLG-related condition. Last evaluated: 2025-08-13. Review status: criteria provided, single submitter. Criteria: ACMG Guidelines, 2015. Collection method: clinical testing. Allele origin: germline.
Comment: The POLG c.412C>T variant is predicted to result in the amino acid substitution p.His138Tyr. To our knowledge, this variant has not been reported in the literature. This variant is absent from one large public population database (gnomAD), indicating that this variant is rare in the general population. At this time, the clinical significance of this variant is uncertain due to the absence of conclusive functional and genetic evidence.